The following is an entry in ClinVar:

NM_001369268.1(ACAN):c.1546G>A (p.Ala516Thr)

Gene: ACAN (aggrecan; plus strand). Cytogenetic location: 15q26.1.
Variant type: single nucleotide variant.
Coding change: c.1546G>A on transcript NM_001369268.1 (MANE Select); coding-DNA position 1546, G replaced by A.
Protein change: p.Ala516Thr; replaces alanine 516 with threonine.
Molecular consequence: missense variant.
Genome position (GRCh38, 1-based): chr15:88,847,359, G>A. VCF-style: chr15-88847359-G-A. GRCh37 (hg19) VCF-style: chr15-89390590-G-A.
Other names: c.1546G>A, p.Ala516Thr (NM_001135.4, NM_013227.4); short protein forms A516T.
Identifiers: ClinVar variation 1563220 (VCV001563220.13), dbSNP rs540361430, ClinGen allele CA7719580.
Genomic context (GRCh38, chr15:88,847,359, plus strand): 5'-GCACAGCAGGCCTGCCTGCGCACGGGGGCGGTCATTGCCTCGCCGGAGCAGCTCCAGGCC[G>A]CCTACGAAGCAGGCTATGAGCAGTGTGACGCCGGCTGGCTGCGGGACCAGACCGTCAGGT-3'
Protein context (NP_001356197.1, residues 506-526): VIASPEQLQA[Ala516Thr]YEAGYEQCDA

ClinVar aggregate classification (germline): Likely benign. Review status: criteria provided, multiple submitters, no conflicts (2 of 4 stars). 2 submissions from 2 submitters: Likely benign (2). Last evaluated 2025-12-01.

Allele frequency attached by ClinVar (database versions not stated): gnomAD 0.00007 and 0.00010; gnomAD exomes 0.00010 and 0.00031; TOPMed 0.00012; 1000 Genomes Project 0.00040; 1000 Genomes Project 30x 0.00062; ExAC 0.00079.
gnomAD v4.1: 156 of 1,590,606 alleles (0.0098%); highest among the groups gnomAD compares: East Asian, 0.3%; 1 homozygote.

Submissions (2):

CeGaT Center for Human Genetics Tuebingen
Classification: Likely benign. Last evaluated: 2025-12-01. Review status: criteria provided, single submitter. Criteria: CeGaT Center For Human Genetics Tuebingen Variant Classification Criteria Version 2. Collection method: clinical testing. Allele origin: germline. Affected: yes. Observed: 1 variant allele.
Comment: ACAN: BS2

Labcorp Genetics (formerly Invitae), Labcorp
Classification: Likely benign. Last evaluated: 2025-10-23. Review status: criteria provided, single submitter. Criteria: Invitae Variant Classification Sherloc (09022015). Collection method: clinical testing. Allele origin: germline.